The following is an entry in ClinVar:

NM_016169.4(SUFU):c.82T>G (p.Ser28Ala)

Genes: SUFU (SUFU negative regulator of hedgehog signaling; plus strand), LOC130004614 (ATAC-STARR-seq lymphoblastoid silent region 2764; plus strand). Cytogenetic location: 10q24.32.
Variant type: single nucleotide variant.
Coding change: c.82T>G on transcript NM_016169.4 (MANE Select); coding-DNA position 82, T replaced by G.
Protein change: p.Ser28Ala; replaces serine 28 with alanine.
Molecular consequence: missense variant.
Genome position (GRCh38, 1-based): chr10:102,504,234, T>G. VCF-style: chr10-102504234-T-G. GRCh37 (hg19) VCF-style: chr10-104263991-T-G.
Other names: c.82T>G, p.Ser28Ala (NM_001178133.2); short protein forms S28A.
Identifiers: ClinVar variation 1895826 (VCV001895826.5), dbSNP rs2544830892, ClinGen allele CA377886392.
Genomic context (GRCh38, chr10:102,504,234, plus strand): 5'-GGCGCCCCCGGCCCCACCGCGCCCCCGGCCCCTGGCCCGACTGCCCCCCCGGCCTTCGCT[T>G]CGCTCTTTCCCCCGGGACTGCACGCCATCTACGGAGAGTGCCGCCGCCTTTACCCTGACC-3'
Protein context (NP_057253.2, residues 18-38): PGPTAPPAFA[Ser28Ala]LFPPGLHAIY

ClinVar aggregate classification (germline): Uncertain significance (1 of 4 stars; one submission).

Conditions:
Medulloblastoma (MDB). Also called: MEDULLOBLASTOMA PREDISPOSITION SYNDROME; Medulloblastoma, somatic. Identifiers: Orphanet 616, MedGen C0025149, MeSH D008527, MONDO:0007959, OMIM 155255, HP:0002885.
Gorlin syndrome. Also called: Nevoid Basal Cell Carcinoma Syndrome; Basal cell nevus syndrome. Identifiers: Orphanet 377, MedGen C0004779, MONDO:0007187.

Submission:

Labcorp Genetics (formerly Invitae), Labcorp
Classification: Uncertain significance for Gorlin syndrome; Medulloblastoma. Last evaluated: 2022-10-07. Review status: criteria provided, single submitter. Criteria: Invitae Variant Classification Sherloc (09022015). Collection method: clinical testing. Allele origin: germline.
Comment: In summary, the available evidence is currently insufficient to determine the role of this variant in disease. Therefore, it has been classified as a Variant of Uncertain Significance. Advanced modeling of protein sequence and biophysical properties (such as structural, functional, and spatial information, amino acid conservation, physicochemical variation, residue mobility, and thermodynamic stability) performed at Invitae indicates that this missense variant is not expected to disrupt SUFU protein function. This variant is not present in population databases (gnomAD no frequency). This sequence change replaces serine, which is neutral and polar, with alanine, which is neutral and non-polar, at codon 28 of the SUFU protein (p.Ser28Ala). This variant has not been reported in the literature in individuals affected with SUFU-related conditions.